The following is an entry in ClinVar:

ClinVar aggregate classification (germline): Benign/Likely benign. Review status: criteria provided, multiple submitters, no conflicts (2 of 4 stars). 10 submissions from 10 submitters: Benign (1); Likely benign (9). Last evaluated 2026-04-01.

Conditions:
Classic or attenuated familial adenomatous polyposis. Identifiers: MedGen CN372698, MONDO:0021057.
Hereditary cancer-predisposing syndrome. Also called: Tumor predisposition; Neoplastic Syndromes, Hereditary; Hereditary Cancer Syndrome; Hereditary neoplastic syndrome. Identifiers: Orphanet 140162, MedGen C0027672, MeSH D009386, MONDO:0015356.
Familial adenomatous polyposis 1 (FAP1). Also called: POLYPOSIS, ADENOMATOUS INTESTINAL; FAMILIAL ADENOMATOUS POLYPOSIS 1, ATTENUATED. Identifiers: MedGen C2713442, MONDO:0021056, OMIM 175100. Disease mechanism: loss of function.

Allele frequency attached by ClinVar (database versions not stated): ExAC 0.00002; gnomAD exomes 0.00002; gnomAD 0.00003; TOPMed 0.00003; ESP Exome Variant Server 0.00008.
gnomAD v4.1: 29 of 1,614,022 alleles (0.0018%); highest among the groups gnomAD compares: Admixed American, 0.0033%; no homozygotes.

Submissions (10):

CeGaT Center for Human Genetics Tuebingen
Classification: Likely benign. Last evaluated: 2026-04-01. Review status: criteria provided, single submitter. Criteria: CeGaT Center For Human Genetics Tuebingen Variant Classification Criteria Version 2. Collection method: clinical testing. Allele origin: germline. Affected: yes. Observed: 1 variant allele.
Comment: APC: BP4, BP7

Center for Genomic Medicine, Rigshospitalet, Copenhagen University Hospital
Classification: Likely benign. Last evaluated: 2025-12-29. Review status: criteria provided, single submitter. Criteria: ACMG Guidelines, 2015. Collection method: clinical testing. Allele origin: germline.
Comment: Classification criteria: BS1, BP4

Labcorp Genetics (formerly Invitae), Labcorp
Classification: Likely benign for Familial adenomatous polyposis 1. Last evaluated: 2025-12-16. Review status: criteria provided, single submitter. Criteria: Invitae Variant Classification Sherloc (09022015). Collection method: clinical testing. Allele origin: germline.

Quest Diagnostics Nichols Institute San Juan Capistrano
Classification: Likely benign. Last evaluated: 2025-08-29. Review status: criteria provided, single submitter. Criteria: Quest Diagnostics criteria. Collection method: clinical testing. Allele origin: unknown.

Myriad Genetics, Inc.
Classification: Benign for Familial adenomatous polyposis 1. Last evaluated: 2024-03-15. Review status: criteria provided, single submitter. Criteria: Myriad Autosomal Dominant, Autosomal Recessive and X-Linked Classification Criteria (2023). Collection method: clinical testing. Allele origin: unknown.
Comment: This variant is considered benign. This variant is a silent/synonymous amino acid change and it is not expected to impact splicing.

All of Us Research Program, National Institutes of Health
Classification: Likely benign for Classic or attenuated familial adenomatous polyposis. Last evaluated: 2024-02-05. Review status: criteria provided, single submitter. Criteria: ACMG Guidelines, 2015. Collection method: clinical testing. Allele origin: germline. Inheritance: Autosomal dominant inheritance. Observed: 6 variant alleles, 6 heterozygotes.
Comment: This study involves interpretation of variants in research participants for the purpose of population health screening. Participant phenotype was not available at the time of variant classification. Additional details can be found in publication PMID: 35346344, PMCID: PMC8962531

PreventionGenetics, part of Exact Sciences
Classification: Likely benign. Last evaluated: 2017-09-19. Review status: criteria provided, single submitter. Criteria: ACMG Guidelines, 2015. Collection method: clinical testing. Allele origin: germline.

GeneDx
Classification: Likely benign. Last evaluated: 2017-03-27. Review status: criteria provided, single submitter. Criteria: GeneDx Variant Classification (06012015). Collection method: clinical testing. Allele origin: germline. Affected: yes.
Comment: This variant is considered likely benign or benign based on one or more of the following criteria: it is a conservative change, it occurs at a poorly conserved position in the protein, it is predicted to be benign by multiple in silico algorithms, and/or has population frequency not consistent with disease.

Color Diagnostics, LLC DBA Color Health
Classification: Likely benign for Hereditary cancer-predisposing syndrome. Last evaluated: 2016-11-22. Review status: criteria provided, single submitter. Criteria: ACMG Guidelines, 2015. Collection method: clinical testing. Allele origin: germline.

Ambry Genetics
Classification: Likely benign for Hereditary cancer-predisposing syndrome. Last evaluated: 2014-06-10. Review status: criteria provided, single submitter. Criteria: Ambry Variant Classification Scheme 2023. Collection method: clinical testing. Allele origin: germline.

NM_000038.6(APC):c.2946G>A (p.Ser982=)

Gene: APC (APC regulator of Wnt signaling pathway; plus strand). Cytogenetic location: 5q22.2.
Variant type: single nucleotide variant.
Coding change: c.2946G>A on transcript NM_000038.6 (MANE Select); coding-DNA position 2946, G replaced by A.
Protein change: p.Ser982=; no amino-acid change (serine 982 retained).
Molecular consequence: synonymous variant.
Genome position (GRCh38, 1-based): chr5:112,838,540, G>A. VCF-style: chr5-112838540-G-A. GRCh37 (hg19) VCF-style: chr5-112174237-G-A.
Other names: c.2946G>A, p.Ser982= (NM_001127510.3, NM_001354895.2); c.2892G>A, p.Ser964= (NM_001127511.3); c.3000G>A, p.Ser1000= (NM_001354896.2); c.2976G>A, p.Ser992= (NM_001354897.2); c.2871G>A, p.Ser957= (NM_001354898.2); c.2862G>A, p.Ser954= (NM_001354899.2); c.2823G>A, p.Ser941= (NM_001354900.2); c.2769G>A, p.Ser923= (NM_001354901.2); and 5 more.
Identifiers: ClinVar variation 185093 (VCV000185093.27), dbSNP rs377384463, ClinGen allele CA007924.